The following is an entry in ClinVar:

ClinVar aggregate classification (germline): Uncertain significance (1 of 4 stars; one submission).

gnomAD v4.1: 2 of 1,613,634 alleles (0.00012%); highest among the groups gnomAD compares: Middle Eastern, 0.017%; no homozygotes.

Submission:

Labcorp Genetics (formerly Invitae), Labcorp
Classification: Uncertain significance. Last evaluated: 2022-09-12. Review status: criteria provided, single submitter. Criteria: Invitae Variant Classification Sherloc (09022015). Collection method: clinical testing. Allele origin: germline.
Comment: Algorithms developed to predict the effect of missense changes on protein structure and function are either unavailable or do not agree on the potential impact of this missense change (SIFT: "Deleterious"; PolyPhen-2: "Benign"; Align-GVGD: "Class C0"). Algorithms developed to predict the effect of sequence changes on RNA splicing suggest that this variant may disrupt the consensus splice site. In summary, the available evidence is currently insufficient to determine the role of this variant in disease. Therefore, it has been classified as a Variant of Uncertain Significance. ClinVar contains an entry for this variant (Variation ID: 1406907). This variant has not been reported in the literature in individuals affected with CEP63-related conditions. This variant is not present in population databases (gnomAD no frequency). This sequence change replaces alanine, which is neutral and non-polar, with serine, which is neutral and polar, at codon 264 of the CEP63 protein (p.Ala264Ser).

NM_001353108.3(CEP63):c.790G>T (p.Ala264Ser)

Gene: CEP63 (centrosomal protein 63; plus strand). Cytogenetic location: 3q22.2.
Variant type: single nucleotide variant.
Coding change: c.790G>T on transcript NM_001353108.3 (MANE Select); coding-DNA position 790, G replaced by T.
Protein change: p.Ala264Ser; replaces alanine 264 with serine.
Molecular consequence: missense variant. On other transcripts: non-coding transcript variant (4).
Genome position (GRCh38, 1-based): chr3:134,546,149, G>T. VCF-style: chr3-134546149-G-T. GRCh37 (hg19) VCF-style: chr3-134264991-G-T.
Other names: c.790G>T, p.Ala264Ser (NM_001042383.2, NM_001042384.2, NM_001042400.3 and 13 more transcripts); c.817G>T, p.Ala273Ser (NM_001353118.1); c.706G>T, p.Ala236Ser (NM_001353125.2); c.427G>T, p.Ala143Ser (NM_001353126.2); short protein forms A143S, A236S, A264S, A273S.
Identifiers: ClinVar variation 1406907 (VCV001406907.6), dbSNP rs1577269517, ClinGen allele CA354628972.